The following is an entry in ClinVar:

ClinVar aggregate classification (germline): Uncertain significance (1 of 4 stars; one submission).

Conditions:
Short-rib thoracic dysplasia 6 with or without polydactyly (SRTD6). Also called: SHORT-RIB THORACIC DYSPLASIA 6 WITH POLYDACTYLY; SHORT-RIB THORACIC DYSPLASIA 6 WITHOUT POLYDACTYLY; SHORT RIB-POLYDACTYLY SYNDROME, TYPE IIA; POLYDACTYLY WITH NEONATAL CHONDRODYSTROPHY, TYPE II; Majewski Syndrome. Identifiers: MedGen C0024507, MONDO:0009894, OMIM 263520.

Allele frequency attached by ClinVar (database versions not stated): gnomAD exomes below 0.00001; TOPMed 0.00002.
gnomAD v4.1: 5 of 1,594,358 alleles (0.00031%); highest among the groups gnomAD compares: Non-Finnish European, 0.00034%; no homozygotes.

Submission:

Labcorp Genetics (formerly Invitae), Labcorp
Classification: Uncertain significance for Short-rib thoracic dysplasia 6 with or without polydactyly. Last evaluated: 2026-01-26. Review status: criteria provided, single submitter. Criteria: Invitae Variant Classification Sherloc (09022015). Collection method: clinical testing. Allele origin: germline.
Comment: This sequence change replaces arginine, which is basic and polar, with cysteine, which is neutral and slightly polar, at codon 572 of the NEK1 protein (p.Arg572Cys). The frequency data for this variant in the population databases is considered unreliable, as metrics indicate poor data quality at this position in the gnomAD database. This variant has not been reported in the literature in individuals affected with NEK1-related conditions. ClinVar contains an entry for this variant (Variation ID: 2194739). Invitae Evidence Modeling of protein sequence and biophysical properties (such as structural, functional, and spatial information, amino acid conservation, physicochemical variation, residue mobility, and thermodynamic stability) has been performed for this missense variant. However, the output from this modeling did not meet the statistical confidence thresholds required to predict the impact of this variant on NEK1 protein function. In summary, the available evidence is currently insufficient to determine the role of this variant in disease. Therefore, it has been classified as a Variant of Uncertain Significance.

NM_001199397.3(NEK1):c.1798C>T (p.Arg600Cys)

Gene: NEK1 (NIMA related kinase 1; minus strand). Cytogenetic location: 4q33.
Variant type: single nucleotide variant.
Coding change: c.1798C>T on transcript NM_001199397.3 (MANE Select); coding-DNA position 1798, C replaced by T.
Protein change: p.Arg600Cys; replaces arginine 600 with cysteine.
Molecular consequence: missense variant. On other transcripts: non-coding transcript variant (1).
Genome position (GRCh38, 1-based): chr4:169,508,283, G>A on the plus strand (C>T on the coding strand, the complement: NEK1 is on the minus strand). VCF-style: chr4-169508283-G-A. GRCh37 (hg19) VCF-style: chr4-170429434-G-A.
Other names: c.1666C>T, p.Arg556Cys (NM_001199398.3); c.1507C>T, p.Arg503Cys (NM_001199399.3); c.1582C>T, p.Arg528Cys (NM_001199400.3); c.1798C>T, p.Arg600Cys (NM_001374418.1); c.1714C>T, p.Arg572Cys (NM_001374419.1, NM_012224.4); c.1663C>T, p.Arg555Cys (NM_001374420.1); c.1588C>T, p.Arg530Cys (NM_001374421.1); short protein forms R528C, R530C, R555C, R572C, R600C, R503C, R556C.
Identifiers: ClinVar variation 2194739 (VCV002194739.4), dbSNP rs1255859734, ClinGen allele CA358731711.